The following is an entry in ClinVar:

NM_000512.5(GALNS):c.466T>C (p.Phe156Leu)

Gene: GALNS (galactosamine (N-acetyl)-6-sulfatase; minus strand). Cytogenetic location: 16q24.3.
Variant type: single nucleotide variant.
Coding change: c.466T>C on transcript NM_000512.5 (MANE Select); coding-DNA position 466, T replaced by C.
Protein change: p.Phe156Leu; replaces phenylalanine 156 with leucine.
Molecular consequence: missense variant. On other transcripts: 5 prime UTR variant (1).
Genome position (GRCh38, 1-based): chr16:88,837,722, A>G on the plus strand (T>C on the coding strand, the complement: GALNS is on the minus strand). VCF-style: chr16-88837722-A-G. GRCh37 (hg19) VCF-style: chr16-88904130-A-G.
Other names: c.-90T>C (NM_001323543.2); c.484T>C, p.Phe162Leu (NM_001323544.2); short protein forms F156L, F162L.
Identifiers: ClinVar variation 528321 (VCV000528321.21), dbSNP rs1308500116, ClinGen allele CA397083329.
Genomic context (GRCh38, chr16:88,837,722, plus strand): 5'-GCCTGGCCTTGTTGTCATAAGGTCCAAAGTGGCAGTTGGGGGATCCAAACCACTCATCAA[A>G]TCCGTGCTTCAGGGGGTGGAACTGGGGCCTGTGACCCAGATGCCTGGAAACAGGAACCCA-3'
Protein context (NP_000503.1, residues 146-166): RPQFHPLKHG[Phe156Leu]DEWFGSPNCH

ClinVar aggregate classification (germline): Pathogenic/Likely pathogenic. Review status: criteria provided, multiple submitters, no conflicts (2 of 4 stars). 6 submissions from 6 submitters: Pathogenic (2); Likely pathogenic (4). Last evaluated 2025-10-21.

Conditions:
Morquio syndrome. Also called: Eccentrochondrodysplasia; Mucopolysaccharidosis, Type IV; MPS IV; Mucopolysaccharidosis type 4. Identifiers: Orphanet 582, MedGen C0026707, MONDO:0018938.
Inborn genetic diseases. Identifiers: MedGen C0950123, MeSH D030342.
Mucopolysaccharidosis, MPS-IV-A (MPS4A). Also called: Mucopolysaccharidosis Type IVA; GALACTOSAMINE-6-SULFATASE DEFICIENCY; GALNS DEFICIENCY; MORQUIO A DISEASE; MPS IVA; Morquio syndrome A, mild. Identifiers: Orphanet 309297, Orphanet 582, MedGen C0086651, MONDO:0009659, OMIM 253000.

Allele frequency attached by ClinVar (database versions not stated): gnomAD exomes 0.00001.
gnomAD v4.1: 5 of 1,613,960 alleles (0.00031%); highest among the groups gnomAD compares: Admixed American, 0.0067%; no homozygotes.

Submissions (6):

Labcorp Genetics (formerly Invitae), Labcorp
Classification: Pathogenic for Mucopolysaccharidosis, MPS-IV-A. Last evaluated: 2025-10-21. Review status: criteria provided, single submitter. Criteria: Invitae Variant Classification Sherloc (09022015). Collection method: clinical testing. Allele origin: germline.
Comment: This sequence change replaces phenylalanine, which is neutral and non-polar, with leucine, which is neutral and non-polar, at codon 156 of the GALNS protein (p.Phe156Leu). This variant is present in population databases (no rsID available, gnomAD 0.006%). This missense change has been observed in individuals with mucopolysaccharidosis IVa (PMID: 24726177; internal data). ClinVar contains an entry for this variant (Variation ID: 528321). Invitae Evidence Modeling of protein sequence and biophysical properties (such as structural, functional, and spatial information, amino acid conservation, physicochemical variation, residue mobility, and thermodynamic stability) indicates that this missense variant is expected to disrupt GALNS protein function with a positive predictive value of 95%. This variant disrupts the p.Phe156 amino acid residue in GALNS. Other variant(s) that disrupt this residue have been observed in individuals with GALNS-related conditions (PMID: 9298823, 9521421), which suggests that this may be a clinically significant amino acid residue. For these reasons, this variant has been classified as Pathogenic.

Ambry Genetics
Classification: Likely pathogenic for Inborn genetic diseases. Last evaluated: 2025-07-22. Review status: criteria provided, single submitter. Criteria: Ambry Variant Classification Scheme 2023. Collection method: clinical testing. Allele origin: germline.
Comment: The c.466T>C (p.F156L) alteration is located in exon 5 (coding exon 5) of the GALNS gene. This alteration results from a T to C substitution at nucleotide position 466, causing the phenylalanine (F) at amino acid position 156 to be replaced by a leucine (L). Based on data from gnomAD, the C allele has an overall frequency of 0.001% (3/251344) total alleles studied. The highest observed frequency was 0.009% (3/34582) of Latino alleles. This variant has been identified in the homozygous state in individuals with features consistent with Mucopolysaccharidosis IVA (Morrone, 2014; Cozma, 2015). Other variants at the same codon, c.467T>G (p.F156C) and c.467T>C (p.F156S), have been identified in individuals with features consistent with Mucopolysaccharidosis IVA (Bunge, 1997; Yamada, 1998). This amino acid position is highly conserved in available vertebrate species. This alteration is predicted to be deleterious by in silico analysis. Based on the available evidence, this alteration is classified as likely pathogenic.

GeneDx
Classification: Likely pathogenic. Last evaluated: 2025-03-12. Review status: criteria provided, single submitter. Criteria: GeneDx Variant Classification Process June 2021. Collection method: clinical testing. Allele origin: germline. Affected: yes.
Comment: Not observed at significant frequency in large population cohorts (gnomAD); In silico analysis supports that this missense variant has a deleterious effect on protein structure/function; This variant is associated with the following publications: (PMID: 24120057, 24726177, 26147980, 34387910, 25137622)

Fulgent Genetics
Classification: Likely pathogenic for Mucopolysaccharidosis, MPS-IV-A. Last evaluated: 2024-02-26. Review status: criteria provided, single submitter. Criteria: ACMG Guidelines, 2015. Collection method: clinical testing. Allele origin: germline.

Women's Health and Genetics/Laboratory Corporation of America, LabCorp
Classification: Pathogenic for Morquio syndrome. Last evaluated: 2022-03-23. Review status: criteria provided, single submitter. Criteria: LabCorp Variant Classification Summary - May 2015. Collection method: clinical testing. Allele origin: germline.
Comment: Variant summary: GALNS c.466T>C (p.Phe156Leu) results in a non-conservative amino acid change located in the Sulfatase, N-terminal domain (IPR000917) of the encoded protein sequence. Five of five in-silico tools predict a damaging effect of the variant on protein function. The variant allele was found at a frequency of 1.2e-05 in 251344 control chromosomes (gnomAD). c.466T>C has been reported in the literature in at least two homozygous individuals affected with Mucopolysaccharidosis Type IVA (Morquio Syndrome A) (Examples: Cozma_2015 and Morrone_2014). Cozma_2015 demonstrated that GALINS activity in leucocytes from the homozygous individual was <1 (Normal range 107-198 nmol MU/mg protein). These data indicate that the variant is very likely to be associated with disease. Additionally, other missense variants in the same residue (F156S and F156C) have been reported in the Human Gene Mutation Database in association with Mucopolysaccharidosis Type IVA (PMID: 9521421, 9298823), supporting the functional importance of this residue of the protein. Two clinical diagnostic laboratories have submitted clinical-significance assessments for this variant to ClinVar after 2014 and classified the variant as likely pathogenic. Based on the evidence outlined above, the variant was classified as pathogenic.

Laboratory of Diagnosis and Therapy of Lysosomal Disorders, University of Padova
Classification: Likely pathogenic for Mucopolysaccharidosis, MPS-IV-A. Last evaluated: 2021-02-01. Review status: criteria provided, single submitter. Criteria: ACMG Guidelines, 2015. Collection method: research. Allele origin: germline. Affected: yes.
Comment: In vivo functional studies supportive of a damaging effect on the gene product (low to null enzymatic activity in homozygotes; PS3_moderate); the prevalence of the variant in affected individuals is significantly increased compared with the prevalence in controls (PS4_strong); very low frequency in gnomAD v2.1.1 (PM2_moderate); multiple lines of computational evidence support a deleterious effect on the gene (PP3_supporting)

Literature cited by the submitters: PubMed 24726177 (cited by 4 submitters); PubMed 9298823 (cited by Labcorp Genetics (formerly Invitae), Labcorp and Ambry Genetics); PubMed 9521421 (cited by Labcorp Genetics (formerly Invitae), Labcorp and Ambry Genetics); PubMed 26147980 (cited by 3 submitters); PubMed 25137622 (cited by Women's Health and Genetics/Laboratory Corporation of America, LabCorp); PubMed 34387910 (cited by Laboratory of Diagnosis and Therapy of Lysosomal Disorders, University of Padova).